The following is an entry in ClinVar:

ClinVar aggregate classification (germline): Benign (3 of 4 stars; one submission).

Conditions:
Breast-ovarian cancer, familial, susceptibility to, 1 (BROVCA1). Also called: BRCA1 Hereditary Breast and Ovarian Cancer; OVARIAN CANCER, SUSCEPTIBILITY TO. Identifiers: Orphanet 145, MedGen C2676676, MONDO:0011450, OMIM 604370. Disease mechanism: loss of function.

Allele frequency attached by ClinVar (database versions not stated): 1000 Genomes Project 0.01018; 1000 Genomes Project 30x 0.01062; gnomAD 0.01537 and 0.01607; TOPMed 0.01745.

Submission:

Evidence-based Network for the Interpretation of Germline Mutant Alleles (ENIGMA)
Classification: Benign for Breast-ovarian cancer, familial 1. Last evaluated: 2015-01-12. Review status: reviewed by expert panel. Criteria: ENIGMA BRCA1/2 Classification Criteria (2015). Collection method: curation. Allele origin: germline.
Comment: Class 1 not pathogenic based on frequency >1% in an outbred sampleset. Frequency 0.02243 (European), derived from 1000 genomes (2012-04-30).

NM_007294.4(BRCA1):c.5075-1073C>A

Gene: BRCA1 (BRCA1 DNA repair associated; minus strand). Cytogenetic location: 17q21.31.
Variant type: single nucleotide variant.
Coding change: c.5075-1073C>A on transcript NM_007294.4 (MANE Select); 1073 bases into the intron before coding-DNA position 5075, C replaced by A.
Molecular consequence: intron variant.
Genome position (GRCh38, 1-based): chr17:43,065,024, G>T on the plus strand (C>A on the coding strand, the complement: BRCA1 is on the minus strand). VCF-style: chr17-43065024-G-T. GRCh37 (hg19) VCF-style: chr17-41217041-G-T.
Other names: IVS 17-1073C>A; c.4934-1073C>A (NM_001407730.1, NM_001407692.1, NM_001407729.1 and 13 more transcripts); c.4805-1073C>A (NM_001407934.1, NM_001407935.1, NM_001407936.1); c.1502-1073C>A (NM_001408497.1, NM_001408496.1, NM_001408499.1 and 3 more transcripts); c.1766-1073C>A (NM_001407973.1, NM_001407975.1, NM_001407978.1 and 3 more transcripts); c.5075-1073C>A (NM_001407596.1, NM_001407602.1, NM_001407597.1 and 7 more transcripts); c.4187-1073C>A (NM_001407966.1); c.4688-1073C>A (NM_001407963.1); and 74 more.
Identifiers: ClinVar variation 209328 (VCV000209328.2), dbSNP rs8176250, ClinGen allele CA276300.